The following is an entry in ClinVar:

GRCh38/hg38 Xp22.31(chrX:8627779-8726798)x2

Gene: ANOS1 (anosmin 1; minus strand). Cytogenetic location: Xp22.31.
Variant type: copy number gain.
Change: copy number 2 of chrX:8,627,779-8,726,798 (99.0 kb, GRCh38 coordinates, 1-based), cytogenetic band Xp22.31.
Identifiers: ClinVar variation 4890922 (VCV004890922.1).

ClinVar aggregate classification (germline): Uncertain significance (1 of 4 stars; one submission).

Submission:

Clinical Genomics Laboratory, Laboratory for Precision Diagnostics, University of Washington
Classification: Uncertain significance. Last evaluated: 2023-03-01. Review status: criteria provided, single submitter. Criteria: ACMG/ClinGen CNV Guidelines, 2019. Collection method: clinical testing. Allele origin: unknown. Affected: yes. Observed: 1 variant allele.
Comment: The duplication is approximately 100 Kb in size and involves one protein-coding gene, ANOS1 (OMIM 300836) previously known as KAL1. This duplication might only include exon 2 of the gene, but due to a gap in probe coverage of the array, the duplication could also include exon 1 and extend 5' of the gene. Loss of function of ANOS1 is associated with hypogonadotropic hypogonadism with or without anosmia (X-linked recessive Kallman syndrome I or normosomic idiopathic hypogonadotropic hypogonadism). In addition to hypogonadotropic hypogonadism with or without anosmia, unilateral renal agenesis is present in many individuals with loss of function of ANOS1, and other urinary tract anomalies are described less frequently including hydronephrosis (PMID: 10916073, PMID: 33120852). However, it is unknown if this duplication disrupts the function of the ANOS1 gene. Public databases (ClinVar, DECIPHER) show many similar duplications/gains of ANOS1, most of which have been classified as of uncertain significance. The clinical features in these individuals are variable, although at least one (ClinGen nssv581407) has hydronephrosis in addition to other clinical findings. The copy state of the ANOS1 gain in that individual is three, but it is not known if the individual is XX or XY, and inheritance of the gain is also unknown. The XX vs XY chromosome complement in most individuals with similar ANOS1 duplication/gain is not provided or is unknown, and both maternal and paternal inheritance of the gain has been found. There are also a few similar ANOS1 duplications/gains in normal control populations (Database of Genomic Variants).

Literature cited by the submitters: PubMed 10916073; PubMed 33120852.